The following is an entry in ClinVar:

NM_007078.3(LDB3):c.1306G>T (p.Ala436Ser)

Gene: LDB3 (LIM domain binding 3; plus strand). Cytogenetic location: 10q23.2.
Variant type: single nucleotide variant.
Coding change: c.1306G>T on transcript NM_007078.3 (MANE Select); coding-DNA position 1306, G replaced by T.
Protein change: p.Ala436Ser; replaces alanine 436 with serine.
Molecular consequence: missense variant.
Genome position (GRCh38, 1-based): chr10:86,716,401, G>T. VCF-style: chr10-86716401-G-T. GRCh37 (hg19) VCF-style: chr10-88476158-G-T.
Other names: c.976G>T, p.Ala326Ser (NM_001080114.2); c.1321G>T, p.Ala441Ser (NM_001171610.2); c.1117G>T, p.Ala373Ser (NM_001368064.1, NM_001368065.1); c.1165G>T, p.Ala389Ser (NM_001368066.1); short protein forms A326S, A373S, A389S, A436S, A441S.
Identifiers: ClinVar variation 4808269 (VCV004808269.1).

ClinVar aggregate classification (germline): Uncertain significance (1 of 4 stars; one submission).

Conditions:
Myofibrillar myopathy 4. Also called: Zaspopathy (type). Identifiers: Orphanet 98912, MedGen C4721886, MONDO:0012277, OMIM 609452.

Submission:

Labcorp Genetics (formerly Invitae), Labcorp
Classification: Uncertain significance for Myofibrillar myopathy 4. Last evaluated: 2025-05-15. Review status: criteria provided, single submitter. Criteria: Invitae Variant Classification Sherloc (09022015). Collection method: clinical testing. Allele origin: germline.
Comment: The LDB3 gene has multiple clinically relevant transcripts. This variant occurs in alternate transcript NM_007078.3, and corresponds to NM_001080116.1:c.*17027G>T in the primary transcript. This sequence change replaces alanine, which is neutral and non-polar, with serine, which is neutral and polar, at codon 436 of the LDB3 protein (p.Ala436Ser). This variant is not present in population databases (gnomAD no frequency). This variant has not been reported in the literature in individuals affected with LDB3-related conditions. Experimental studies and prediction algorithms are not available or were not evaluated, and the functional significance of this variant is currently unknown. In summary, the available evidence is currently insufficient to determine the role of this variant in disease. Therefore, it has been classified as a Variant of Uncertain Significance.